The following is an entry in ClinVar:

ClinVar aggregate classification (germline): Likely benign (0 of 4 stars; one submission).

Conditions:
KDM3B-related disorder. Also called: KDM3B-related condition.

Allele frequency attached by ClinVar (database versions not stated): ExAC 0.00001; gnomAD exomes 0.00001; TOPMed 0.00004; gnomAD 0.00006.
gnomAD v4.1: 28 of 1,613,352 alleles (0.0017%); no homozygotes.

Submission:

PreventionGenetics, part of Exact Sciences
Classification: Likely benign for KDM3B-related condition. Last evaluated: 2023-06-13. Review status: no assertion criteria provided. Collection method: clinical testing. Allele origin: germline.
Comment: This variant is classified as likely benign based on ACMG/AMP sequence variant interpretation guidelines (Richards et al. 2015 PMID: 25741868, with internal and published modifications).

NM_016604.4(KDM3B):c.693G>A (p.Val231=)

Gene: KDM3B (lysine demethylase 3B; plus strand). Cytogenetic location: 5q31.2.
Variant type: single nucleotide variant.
Coding change: c.693G>A on transcript NM_016604.4 (MANE Select); coding-DNA position 693, G replaced by A.
Protein change: p.Val231=; no amino-acid change (valine 231 retained).
Molecular consequence: synonymous variant.
Genome position (GRCh38, 1-based): chr5:138,379,696, G>A. VCF-style: chr5-138379696-G-A. GRCh37 (hg19) VCF-style: chr5-137715385-G-A.
Identifiers: ClinVar variation 3031870 (VCV003031870.2), dbSNP rs752857714, ClinGen allele CA3428757.
Genomic context (GRCh38, chr5:138,379,696, plus strand): 5'-AGAAGGGTGGCTCTATGGTGTTGTGAGCCATCAGGACTCCATCACTCGTCTTATGGAGGT[G>A]TCTGTAACTGAGGTGAGACTCTGTGTTATTCTGTCTAAGGTCCATCCATCCCCTTAAAGA-3'
Protein context (NP_057688.3, residues 221-241): HQDSITRLME[Val231=]SVTESGEIKS